The following is an entry in ClinVar:

ClinVar aggregate classification (germline): Benign. Review status: criteria provided, multiple submitters, no conflicts (2 of 4 stars). 3 submissions from 3 submitters: Benign (2). 1 of the submissions does not count toward it. Last evaluated 2026-01-27.

Conditions:
PITRM1-related disorder. Also called: PITRM1-related condition.

Allele frequency attached by ClinVar (database versions not stated): ESP Exome Variant Server 0.03778; 1000 Genomes Project 0.04932; 1000 Genomes Project 30x 0.05294; TOPMed 0.07403.
gnomAD v4.1: 138,625 of 1,544,440 alleles (9%); highest among the groups gnomAD compares: Non-Finnish European, 10%; 6,867 homozygotes.

Submissions (3):

Labcorp Genetics (formerly Invitae), Labcorp
Classification: Benign. Last evaluated: 2026-01-27. Review status: criteria provided, single submitter. Criteria: Invitae Variant Classification Sherloc (09022015). Collection method: clinical testing. Allele origin: germline.

Breakthrough Genomics
Classification: Benign. Review status: criteria provided, single submitter. Criteria: ACMG Guidelines, 2015. Collection method: not provided. Allele origin: germline. Inheritance: Autosomal recessive inheritance. Affected: yes.

PreventionGenetics, part of Exact Sciences
Classification: Benign for PITRM1-related condition. Last evaluated: 2019-11-04. Review status: no assertion criteria provided. Collection method: clinical testing. Allele origin: germline. Not counted in ClinVar's aggregate classification.
Comment: This variant is classified as benign based on ACMG/AMP sequence variant interpretation guidelines (Richards et al. 2015 PMID: 25741868, with internal and published modifications).

NM_014889.4(PITRM1):c.23A>G (p.Gln8Arg)

Genes: PITRM1 (pitrilysin metallopeptidase 1; minus strand), LOC130003177 (ATAC-STARR-seq lymphoblastoid silent region 2073; plus strand). Cytogenetic location: 10p15.2.
Variant type: single nucleotide variant.
Coding change: c.23A>G on transcript NM_014889.4 (MANE Select); coding-DNA position 23, A replaced by G.
Protein change: p.Gln8Arg; replaces glutamine 8 with arginine.
Molecular consequence: missense variant. On other transcripts: synonymous variant (1), 5 prime UTR variant (3), non-coding transcript variant (4).
Genome position (GRCh38, 1-based): chr10:3,172,750, T>C on the plus strand (A>G on the coding strand, the complement: PITRM1 is on the minus strand). VCF-style: chr10-3172750-T-C. GRCh37 (hg19) VCF-style: chr10-3214942-T-C.
Other names: c.23A>G, p.Gln8Arg (NM_001242307.2, NM_001347725.2); c.30A>G, p.Ala10= (NM_001242309.1); c.-549A>G (NM_001347726.2, NM_001347727.2); c.-1278A>G (NM_001347728.2); c.23A>G (NM_001242307.1); short protein forms Q8R.
Identifiers: ClinVar variation 1571743 (VCV001571743.11), dbSNP rs11818724, ClinGen allele CA5388381.